The following is an entry in ClinVar:

NM_021167.5(GATAD1):c.307G>T (p.Ala103Ser)

Gene: GATAD1 (GATA zinc finger domain containing 1; plus strand). Cytogenetic location: 7q21.2.
Variant type: single nucleotide variant.
Coding change: c.307G>T on transcript NM_021167.5 (MANE Select); coding-DNA position 307, G replaced by T.
Protein change: p.Ala103Ser; replaces alanine 103 with serine.
Molecular consequence: missense variant. On other transcripts: non-coding transcript variant (1).
Genome position (GRCh38, 1-based): chr7:92,448,809, G>T. VCF-style: chr7-92448809-G-T. GRCh37 (hg19) VCF-style: chr7-92078123-G-T.
Other names: short protein forms A103S.
Identifiers: ClinVar variation 1414569 (VCV001414569.6), dbSNP rs1789290199, ClinGen allele CA368156811.

ClinVar aggregate classification (germline): Uncertain significance (1 of 4 stars; one submission).

Conditions:
Dilated cardiomyopathy 2B. Identifiers: Orphanet 154, MedGen C3553409, MONDO:0013848, OMIM 614672.

Submission:

Labcorp Genetics (formerly Invitae), Labcorp
Classification: Uncertain significance for Dilated cardiomyopathy 2B. Last evaluated: 2021-09-24. Review status: criteria provided, single submitter. Criteria: Invitae Variant Classification Sherloc (09022015). Collection method: clinical testing. Allele origin: germline.
Comment: In summary, the available evidence is currently insufficient to determine the role of this variant in disease. Therefore, it has been classified as a Variant of Uncertain Significance. Algorithms developed to predict the effect of missense changes on protein structure and function (SIFT, PolyPhen-2, Align-GVGD) all suggest that this variant is likely to be tolerated. This variant has not been reported in the literature in individuals affected with GATAD1-related conditions. This variant is not present in population databases (ExAC no frequency). This sequence change replaces alanine with serine at codon 103 of the GATAD1 protein (p.Ala103Ser). The alanine residue is moderately conserved and there is a moderate physicochemical difference between alanine and serine.